The following is an entry in ClinVar:

NM_022124.6(CDH23):c.137C>T (p.Thr46Met)

Gene: CDH23 (cadherin related 23; plus strand). Cytogenetic location: 10q22.1.
Variant type: single nucleotide variant.
Coding change: c.137C>T on transcript NM_022124.6 (MANE Select); coding-DNA position 137, C replaced by T.
Protein change: p.Thr46Met; replaces threonine 46 with methionine.
Molecular consequence: missense variant.
Genome position (GRCh38, 1-based): chr10:71,446,387, C>T. VCF-style: chr10-71446387-C-T. GRCh37 (hg19) VCF-style: chr10-73206144-C-T.
Other names: c.137C>T, p.Thr46Met (NM_001171930.2, NM_001171931.2, NM_001171932.2 and 1 more transcripts); short protein forms T46M.
Identifiers: ClinVar variation 618008 (VCV000618008.13), dbSNP rs727504613, ClinGen allele CA209414346.

ClinVar aggregate classification (germline): Uncertain significance. Review status: criteria provided, multiple submitters, no conflicts (2 of 4 stars). 4 submissions from 4 submitters: Uncertain significance (3). 1 of the submissions does not count toward it. Last evaluated 2025-03-17.

Conditions:
Usher syndrome type 1 (USH1). Also called: RETINITIS PIGMENTOSA AND CONGENITAL DEAFNESS. Identifiers: Orphanet 231169, Orphanet 886, MedGen C1568247, MONDO:0010168, OMIM 276900.

Allele frequency attached by ClinVar (database versions not stated): TOPMed 0.00006; gnomAD 0.00010.
gnomAD v4.1: 22 of 1,613,874 alleles (0.0014%); highest among the groups gnomAD compares: African/African-American, 0.008%; no homozygotes.

Submissions (4):

Labcorp Genetics (formerly Invitae), Labcorp
Classification: Uncertain significance. Last evaluated: 2025-03-17. Review status: criteria provided, single submitter. Criteria: Invitae Variant Classification Sherloc (09022015). Collection method: clinical testing. Allele origin: germline.
Comment: This sequence change replaces threonine, which is neutral and polar, with methionine, which is neutral and non-polar, at codon 46 of the CDH23 protein (p.Thr46Met). This variant is present in population databases (no rsID available, gnomAD 0.01%). This variant has not been reported in the literature in individuals affected with CDH23-related conditions. ClinVar contains an entry for this variant (Variation ID: 618008). Invitae Evidence Modeling of protein sequence and biophysical properties (such as structural, functional, and spatial information, amino acid conservation, physicochemical variation, residue mobility, and thermodynamic stability) has been performed for this missense variant. However, the output from this modeling did not meet the statistical confidence thresholds required to predict the impact of this variant on CDH23 protein function. In summary, the available evidence is currently insufficient to determine the role of this variant in disease. Therefore, it has been classified as a Variant of Uncertain Significance.

Blueprint Genetics
Classification: Uncertain significance. Last evaluated: 2023-12-27. Review status: criteria provided, single submitter. Criteria: ACMG Guidelines, 2015. Collection method: clinical testing. Allele origin: germline.

ARUP Laboratories, Molecular Genetics and Genomics, ARUP Laboratories
Classification: Uncertain significance. Last evaluated: 2018-02-02. Review status: criteria provided, single submitter. Criteria: ARUP Molecular Germline Variant Investigation Process. Collection method: clinical testing. Allele origin: germline.
Comment: The p.Thr46Met variant has not been reported in the medical literature, gene specific variation databases, nor has it been previously identified by our laboratory. This variant is listed in the Genome Aggregation Database (gnomAD) with a frequency of 0.01 percent in the African population (identified on 3 out of 24,026 chromosomes). The threonine at position 46 is moderately conserved considering 12 species (Alamut v2.10) and computational analyses of the effects of the p.Thr46Met variant on protein structure and function provide conflicting results (SIFT: tolerated, MutationTaster: disease causing, PolyPhen-2: probably damaging). Altogether, there is not enough evidence to classify the p.Thr46Met variant with certainty.

Natera, Inc.
Classification: Uncertain significance for Usher syndrome type 1. Last evaluated: 2020-01-24. Review status: no assertion criteria provided. Collection method: clinical testing. Allele origin: germline. Not counted in ClinVar's aggregate classification.